The following is an entry in ClinVar:

NM_001130004.2(ACTN1):c.1424G>A (p.Arg475His)

Gene: ACTN1 (actinin alpha 1; minus strand). Cytogenetic location: 14q24.1.
Variant type: single nucleotide variant.
Coding change: c.1424G>A on transcript NM_001130004.2 (MANE Select); coding-DNA position 1424, G replaced by A.
Protein change: p.Arg475His; replaces arginine 475 with histidine.
Molecular consequence: missense variant.
Genome position (GRCh38, 1-based): chr14:68,884,845, C>T on the plus strand (G>A on the coding strand, the complement: ACTN1 is on the minus strand). VCF-style: chr14-68884845-C-T. GRCh37 (hg19) VCF-style: chr14-69351562-C-T.
Other names: c.1424G>A, p.Arg475His (NM_001130005.2, NM_001102.4); c.1448G>A, p.Arg483His (NM_001411035.1); c.1229G>A, p.Arg410His (NM_001411036.1); short protein forms R475H, R483H, R410H.
Identifiers: ClinVar variation 2570424 (VCV002570424.4), dbSNP rs774496996, ClinGen allele CA7242367.

ClinVar aggregate classification (germline): Uncertain significance. Review status: criteria provided, multiple submitters, no conflicts (2 of 4 stars). 2 submissions from 2 submitters: Uncertain significance (2). Last evaluated 2024-05-12.

Conditions:
Inborn genetic diseases. Identifiers: MedGen C0950123, MeSH D030342.

Allele frequency attached by ClinVar (database versions not stated): gnomAD exomes 0.00001; TOPMed 0.00001; ExAC 0.00002; gnomAD 0.00004.
gnomAD v4.1: 23 of 1,614,024 alleles (0.0014%); highest among the groups gnomAD compares: Admixed American, 0.0033%; no homozygotes.

Submissions (2):

Labcorp Genetics (formerly Invitae), Labcorp
Classification: Uncertain significance. Last evaluated: 2024-05-12. Review status: criteria provided, single submitter. Criteria: Invitae Variant Classification Sherloc (09022015). Collection method: clinical testing. Allele origin: germline.
Comment: This sequence change replaces arginine, which is basic and polar, with histidine, which is basic and polar, at codon 475 of the ACTN1 protein (p.Arg475His). This variant is present in population databases (rs774496996, gnomAD 0.02%). This variant has not been reported in the literature in individuals affected with ACTN1-related conditions. ClinVar contains an entry for this variant (Variation ID: 2570424). Advanced modeling of protein sequence and biophysical properties (such as structural, functional, and spatial information, amino acid conservation, physicochemical variation, residue mobility, and thermodynamic stability) performed at Invitae indicates that this missense variant is expected to disrupt ACTN1 protein function with a positive predictive value of 80%. In summary, the available evidence is currently insufficient to determine the role of this variant in disease. Therefore, it has been classified as a Variant of Uncertain Significance.

Ambry Genetics
Classification: Uncertain significance for Inborn genetic diseases. Last evaluated: 2023-05-24. Review status: criteria provided, single submitter. Criteria: Ambry Variant Classification Scheme 2023. Collection method: clinical testing. Allele origin: germline.